The following is an entry in ClinVar:

NM_031935.3(HMCN1):c.9263C>G (p.Pro3088Arg)

Gene: HMCN1 (hemicentin 1; plus strand). Cytogenetic location: 1q31.1.
Variant type: single nucleotide variant.
Coding change: c.9263C>G on transcript NM_031935.3 (MANE Select); coding-DNA position 9263, C replaced by G.
Protein change: p.Pro3088Arg; replaces proline 3088 with arginine.
Molecular consequence: missense variant.
Genome position (GRCh38, 1-based): chr1:186,087,545, C>G. VCF-style: chr1-186087545-C-G. GRCh37 (hg19) VCF-style: chr1-186056677-C-G.
Other names: short protein forms P3088R.
Identifiers: ClinVar variation 1966779 (VCV001966779.5), dbSNP rs754769981, ClinGen allele CA343919823.

ClinVar aggregate classification (germline): Uncertain significance (1 of 4 stars; one submission).

Submission:

Labcorp Genetics (formerly Invitae), Labcorp
Classification: Uncertain significance. Last evaluated: 2021-12-23. Review status: criteria provided, single submitter. Criteria: Invitae Variant Classification Sherloc (09022015). Collection method: clinical testing. Allele origin: germline.
Comment: In summary, the available evidence is currently insufficient to determine the role of this variant in disease. Therefore, it has been classified as a Variant of Uncertain Significance. Algorithms developed to predict the effect of missense changes on protein structure and function (SIFT, PolyPhen-2, Align-GVGD) all suggest that this variant is likely to be disruptive. This variant has not been reported in the literature in individuals affected with HMCN1-related conditions. This variant is not present in population databases (gnomAD no frequency). This sequence change replaces proline, which is neutral and non-polar, with arginine, which is basic and polar, at codon 3088 of the HMCN1 protein (p.Pro3088Arg).